The following is an entry in ClinVar:

NM_003922.4(HERC1):c.7546A>G (p.Met2516Val)

Gene: HERC1 (HECT and RLD domain containing E3 ubiquitin protein ligase family member 1; minus strand). Cytogenetic location: 15q22.31.
Variant type: single nucleotide variant.
Coding change: c.7546A>G on transcript NM_003922.4 (MANE Select); coding-DNA position 7546, A replaced by G.
Protein change: p.Met2516Val; replaces methionine 2516 with valine.
Molecular consequence: missense variant.
Genome position (GRCh38, 1-based): chr15:63,674,642, T>C on the plus strand (A>G on the coding strand, the complement: HERC1 is on the minus strand). VCF-style: chr15-63674642-T-C. GRCh37 (hg19) VCF-style: chr15-63966841-T-C.
Other names: c.7546A>G (NM_003922.3); short protein forms M2516V.
Identifiers: ClinVar variation 2078793 (VCV002078793.4), dbSNP rs201523092, ClinGen allele CA7605131.
Genomic context (GRCh38, chr15:63,674,642, plus strand): 5'-TTGGTATCAGCAACAGCTCAGCATATTTACTACAGCCAAGAAGGGCACTAAGTGACTTCA[T>C]AGCACCGAGGTAAAGATAGGACAGCTGGACTGCTCTGATTTCTGACTGGGCTACATCATG-3'
Protein context (NP_003913.3, residues 2506-2526): VQLSYLYLGA[Met2516Val]KSLSALLGCS

ClinVar aggregate classification (germline): Uncertain significance. Review status: criteria provided, multiple submitters, no conflicts (2 of 4 stars). 2 submissions from 2 submitters: Uncertain significance (2). Last evaluated 2024-01-02.

Conditions:
Inborn genetic diseases. Identifiers: MedGen C0950123, MeSH D030342.

Allele frequency attached by ClinVar (database versions not stated): TOPMed 0.00002; ExAC 0.00003; gnomAD 0.00003; gnomAD exomes 0.00004.
gnomAD v4.1: 59 of 1,613,580 alleles (0.0037%); highest among the groups gnomAD compares: Non-Finnish European, 0.0045%; no homozygotes.

Submissions (2):

Ambry Genetics
Classification: Uncertain significance for Inborn genetic diseases. Last evaluated: 2024-01-02. Review status: criteria provided, single submitter. Criteria: Ambry Variant Classification Scheme 2023. Collection method: clinical testing. Allele origin: germline.

Labcorp Genetics (formerly Invitae), Labcorp
Classification: Uncertain significance. Last evaluated: 2022-10-17. Review status: criteria provided, single submitter. Criteria: Invitae Variant Classification Sherloc (09022015). Collection method: clinical testing. Allele origin: germline.
Comment: This sequence change replaces methionine, which is neutral and non-polar, with valine, which is neutral and non-polar, at codon 2516 of the HERC1 protein (p.Met2516Val). This variant is present in population databases (rs201523092, gnomAD 0.005%). This variant has not been reported in the literature in individuals affected with HERC1-related conditions. Advanced modeling of protein sequence and biophysical properties (such as structural, functional, and spatial information, amino acid conservation, physicochemical variation, residue mobility, and thermodynamic stability) performed at Invitae indicates that this missense variant is not expected to disrupt HERC1 protein function. In summary, the available evidence is currently insufficient to determine the role of this variant in disease. Therefore, it has been classified as a Variant of Uncertain Significance.